The following is an entry in ClinVar:

ClinVar aggregate classification (germline): Likely benign. Review status: criteria provided, multiple submitters, no conflicts (2 of 4 stars). 3 submissions from 3 submitters: Likely benign (2). 1 of the submissions does not count toward it. Last evaluated 2025-11-17.

Conditions:
D2HGDH-related disorder. Also called: D2HGDH-related condition.
D-2-hydroxyglutaric aciduria 1 (D2HGA1). Identifiers: Orphanet 79315, MedGen C3152055, MONDO:0024554, OMIM 600721.

Allele frequency attached by ClinVar (database versions not stated): gnomAD exomes 0.00009 and 0.00022; ExAC 0.00024; ESP Exome Variant Server 0.00038; gnomAD 0.00043 and 0.00046; TOPMed 0.00049; 1000 Genomes Project 0.00060; 1000 Genomes Project 30x 0.00062.
gnomAD v4.1: 192 of 1,614,116 alleles (0.012%); highest among the groups gnomAD compares: African/African-American, 0.14%; 1 homozygote.

Submissions (3):

Labcorp Genetics (formerly Invitae), Labcorp
Classification: Likely benign for D-2-hydroxyglutaric aciduria 1. Last evaluated: 2025-11-17. Review status: criteria provided, single submitter. Criteria: Invitae Variant Classification Sherloc (09022015). Collection method: clinical testing. Allele origin: germline.

Blueprint Genetics
Classification: Likely benign. Last evaluated: 2022-08-31. Review status: criteria provided, single submitter. Criteria: ACMG Guidelines, 2015. Collection method: clinical testing. Allele origin: germline.

PreventionGenetics, part of Exact Sciences
Classification: Likely benign for D2HGDH-related condition. Last evaluated: 2024-08-26. Review status: no assertion criteria provided. Collection method: clinical testing. Allele origin: germline. Not counted in ClinVar's aggregate classification.
Comment: This variant is classified as likely benign based on ACMG/AMP sequence variant interpretation guidelines (Richards et al. 2015 PMID: 25741868, with internal and published modifications).

NM_152783.5(D2HGDH):c.840C>T (p.Asn280=)

Gene: D2HGDH (D-2-hydroxyglutarate dehydrogenase; plus strand). Cytogenetic location: 2q37.3.
Variant type: single nucleotide variant.
Coding change: c.840C>T on transcript NM_152783.5 (MANE Select); coding-DNA position 840, C replaced by T.
Protein change: p.Asn280=; no amino-acid change (asparagine 280 retained).
Molecular consequence: synonymous variant. On other transcripts: non-coding transcript variant (1).
Genome position (GRCh38, 1-based): chr2:241,744,864, C>T. VCF-style: chr2-241744864-C-T. GRCh37 (hg19) VCF-style: chr2-242684279-C-T.
Other names: c.438C>T, p.Asn146= (NM_001287249.2); c.279C>T, p.Asn93= (NM_001352824.2); c.840C>T (NM_152783.4).
Identifiers: ClinVar variation 1132446 (VCV001132446.11), dbSNP rs138467167, ClinGen allele CA2221773.
Genomic context (GRCh38, chr2:241,744,864, plus strand): 5'-CACTTTGGGGATCATCACCACGGTGTCCATCTTGTGTCCACCCAAGCCCAGGGCTGTGAA[C>T]GTGGCTTTCCTCGGTGGGCTTCCTCGATGTGTGCCTTGAGATGGGTGGTTGGGCTCGAGC-3'
Protein context (NP_689996.4, residues 270-290): ILCPPKPRAV[Asn280=]VAFLGCPGFA